The following is an entry in ClinVar:

ClinVar aggregate classification (germline): Conflicting classifications of pathogenicity. Review status: criteria provided, conflicting classifications (1 of 4 stars). 3 submissions from 3 submitters: Uncertain significance (2); Likely benign (1). Last evaluated 2023-03-23.

Conditions:
Hereditary cancer-predisposing syndrome. Also called: Hereditary Cancer Syndrome; Hereditary neoplastic syndrome; Neoplastic Syndromes, Hereditary; Tumor predisposition. Identifiers: Orphanet 140162, MedGen C0027672, MeSH D009386, MONDO:0015356.
Breast-ovarian cancer, familial, susceptibility to, 1 (BROVCA1). Also called: OVARIAN CANCER, SUSCEPTIBILITY TO; BRCA1 Hereditary Breast and Ovarian Cancer. Identifiers: Orphanet 145, MedGen C2676676, MONDO:0011450, OMIM 604370. Disease mechanism: loss of function.

Submissions (3):

All of Us Research Program, National Institutes of Health
Classification: Uncertain significance for Breast-ovarian cancer, familial, susceptibility to, 1. Last evaluated: 2023-03-23. Review status: criteria provided, single submitter. Criteria: ACMG Guidelines, 2015. Collection method: clinical testing. Allele origin: germline. Inheritance: Autosomal dominant inheritance. Observed: 1 variant allele, 1 heterozygote.
Comment: This missense variant replaces phenylalanine with serine at codon 872 of the BRCA1 protein. Computational prediction suggests that this variant may not impact protein structure and function (internally defined REVEL score threshold <= 0.5, PMID: 27666373). To our knowledge, functional studies have not been reported for this variant. This variant has not been reported in individuals affected with BRCA1-related disorders in the literature. This variant has not been identified in the general population by the Genome Aggregation Database (gnomAD). The available evidence is insufficient to determine the role of this variant in disease conclusively. Therefore, this variant is classified as a Variant of Uncertain Significance.

This study involves interpretation of variants in research participants for the purpose of population health screening. Participant phenotype was not available at the time of variant classification. Additional details can be found in publication PMID: 35346344, PMCID: PMC8962531

University of Washington Department of Laboratory Medicine, University of Washington
Classification: Likely benign for Hereditary cancer-predisposing syndrome. Last evaluated: 2023-03-23. Review status: criteria provided, single submitter. Criteria: Dines et al. (Genet Med. 2020). Collection method: curation. Allele origin: germline.
Comment: Missense variant in a coldspot region where missense variants are very unlikely to be pathogenic (PMID:31911673).

BRCA1 coldspot (exon 11 using historical exon numbering). Reclassification based on statistical prior probability

Ambry Genetics
Classification: Uncertain significance for Hereditary cancer-predisposing syndrome. Last evaluated: 2019-10-04. Review status: criteria provided, single submitter. Criteria: Ambry Variant Classification Scheme 2023. Collection method: clinical testing. Allele origin: germline.
Comment: The p.F872S variant (also known as c.2615T>C), located in coding exon 9 of the BRCA1 gene, results from a T to C substitution at nucleotide position 2615. The phenylalanine at codon 872 is replaced by serine, an amino acid with highly dissimilar properties. This amino acid position is not well conserved in available vertebrate species. In addition, the in silico prediction for this alteration is inconclusive. Since supporting evidence is limited at this time, the clinical significance of this alteration remains unclear.

NM_007294.4(BRCA1):c.2615T>C (p.Phe872Ser)

Gene: BRCA1 (BRCA1 DNA repair associated; minus strand). Cytogenetic location: 17q21.31.
Variant type: single nucleotide variant.
Coding change: c.2615T>C on transcript NM_007294.4 (MANE Select); coding-DNA position 2615, T replaced by C.
Protein change: p.Phe872Ser; replaces phenylalanine 872 with serine.
Molecular consequence: missense variant. On other transcripts: intron variant (137).
Genome position (GRCh38, 1-based): chr17:43,092,916, A>G on the plus strand (T>C on the coding strand, the complement: BRCA1 is on the minus strand). VCF-style: chr17-43092916-A-G. GRCh37 (hg19) VCF-style: chr17-41244933-A-G.
Other names: c.2615T>C, p.Phe872Ser (NM_001407596.1, NM_001407597.1, NM_001407598.1 and 30 more transcripts); c.2612T>C, p.Phe871Ser (NM_001407610.1, NM_001407611.1, NM_001407612.1 and 22 more transcripts); c.2606T>C, p.Phe869Ser (NM_001407646.1, NM_001407647.1); c.2492T>C, p.Phe831Ser (NM_001407648.1, NM_001407664.1, NM_001407665.1 and 19 more transcripts); c.2489T>C, p.Phe830Ser (NM_001407649.1, NM_001407670.1, NM_001407671.1 and 11 more transcripts); c.2537T>C, p.Phe846Ser (NM_001407653.1, NM_001407654.1, NM_001407655.1 and 4 more transcripts); c.2474T>C, p.Phe825Ser (NM_001407728.1, NM_001407729.1, NM_001407730.1 and 29 more transcripts); c.2471T>C, p.Phe824Ser (NM_001407747.1, NM_001407748.1, NM_001407749.1 and 20 more transcripts); and 41 more; short protein forms F872S, F825S, F760S, F805S, F845S, F869S, F704S, F783S.
Identifiers: ClinVar variation 821573 (VCV000821573.8), dbSNP rs1597868786, ClinGen allele CA10596767.